The following is an entry in ClinVar:

ClinVar aggregate classification (germline): Conflicting classifications of pathogenicity. Review status: criteria provided, conflicting classifications (1 of 4 stars). 3 submissions from 3 submitters: Uncertain significance (2); Likely benign (1). Last evaluated 2023-12-28.

Conditions:
Cardiovascular phenotype. Identifiers: MedGen CN230736.
Brugada syndrome 5 (BRGDA5). Identifiers: Orphanet 130, Orphanet 871, MedGen C2748541, MONDO:0013015, OMIM 612838.

Allele frequency attached by ClinVar (database versions not stated): gnomAD exomes below 0.00001.
gnomAD v4.1: 1 of 1,614,096 alleles (0.000062%); highest among the groups gnomAD compares: Admixed American, 0.0017%; no homozygotes.

Submissions (3):

GeneDx
Classification: Uncertain significance. Last evaluated: 2023-12-28. Review status: criteria provided, single submitter. Criteria: GeneDx Variant Classification Process June 2021. Collection method: clinical testing. Allele origin: germline. Affected: yes.
Comment: Not observed at significant frequency in large population cohorts (gnomAD); In silico analysis supports that this variant does not alter splicing; Has not been previously published as pathogenic or benign to our knowledge

Labcorp Genetics (formerly Invitae), Labcorp
Classification: Uncertain significance for Brugada syndrome 5. Last evaluated: 2022-04-25. Review status: criteria provided, single submitter. Criteria: Invitae Variant Classification Sherloc (09022015). Collection method: clinical testing. Allele origin: germline.
Comment: The SCN1B gene has multiple clinically relevant transcripts. This variant occurs in alternate transcript NM_001037.4, and corresponds to NM_199037.3:c.*5119G>A in the primary transcript. This sequence change affects codon 183 of the SCN1B mRNA. It is a 'silent' change, meaning that it does not change the encoded amino acid sequence of the SCN1B protein. This variant is present in population databases (no rsID available, gnomAD 0.003%). This variant has not been reported in the literature in individuals affected with SCN1B-related conditions. Experimental studies and prediction algorithms are not available or were not evaluated, and the effect of this variant on mRNA splicing is currently unknown. In summary, the available evidence is currently insufficient to determine the role of this variant in disease. Therefore, it has been classified as a Variant of Uncertain Significance.

Ambry Genetics
Classification: Likely benign for Cardiovascular phenotype. Last evaluated: 2021-07-21. Review status: criteria provided, single submitter. Criteria: Ambry Variant Classification Scheme 2023. Collection method: clinical testing. Allele origin: germline.

NM_001037.5(SCN1B):c.549G>A (p.Lys183=)

Gene: SCN1B (sodium voltage-gated channel beta subunit 1; plus strand). Cytogenetic location: 19q13.11.
Variant type: single nucleotide variant.
Coding change: c.549G>A on transcript NM_001037.5 (MANE Select); coding-DNA position 549, G replaced by A.
Protein change: p.Lys183=; no amino-acid change (lysine 183 retained).
Molecular consequence: synonymous variant.
Genome position (GRCh38, 1-based): chr19:35,039,217, G>A. VCF-style: chr19-35039217-G-A. GRCh37 (hg19) VCF-style: chr19-35530121-G-A.
Other names: c.450G>A, p.Lys150= (NM_001321605.2).
Identifiers: ClinVar variation 1747908 (VCV001747908.8), dbSNP rs1457466072, ClinGen allele CA632754814.